The following is an entry in ClinVar:

NM_000548.5(TSC2):c.2788_2790del (p.Lys930del)

Gene: TSC2 (TSC complex subunit 2; plus strand). Cytogenetic location: 16p13.3.
Variant type: Deletion.
Coding change: c.2788_2790del on transcript NM_000548.5 (MANE Select); coding-DNA positions 2788 to 2790, 3 bases deleted (AAG; older notation c.2788_2790delAAG).
Protein change: p.Lys930del; deletes lysine 930.
Molecular consequence: inframe indel (on NM_000548.3). On other transcripts: non-coding transcript variant (5).
Genome position (GRCh38, 1-based): chr16:2,076,536-2,076,538, AAG deleted; deleting any 3 consecutive bases within chr16:2,076,534-2,076,538 gives the same sequence; the c. name uses the placement nearest the transcript's 3' end. VCF-style (leftmost placement, unchanged base first): chr16-2076533-GAGA-G. GRCh37 (hg19) VCF-style: chr16-2126534-GAGA-G.
Other names: c.2788_2790delAAG, p.Lys930del (NM_000548.3); c.2788_2790del, p.Lys930del (NM_001077183.3, NM_001114382.3, NM_001363528.2 and 6 more transcripts); c.2677_2679del, p.Lys893del (NM_001318827.2, NM_001406670.1, NM_001406678.1); c.2641_2643del, p.Lys881del (NM_001318829.2, NM_001406675.1, NM_001406676.1 and 1 more transcripts); c.2188_2190del, p.Lys730del (NM_001318831.2, NM_001406680.1, NM_001406682.1 and 6 more transcripts); c.2821_2823del, p.Lys941del (NM_001318832.2); c.2878_2880del, p.Lys960del (NM_001406667.1, NM_001406668.1); c.2776_2778del, p.Lys926del (NM_001406671.1, NM_001406673.1); and 4 more; short protein forms K396del, K482del, K730del, K776del, K881del, K893del, K911del, K926del.
Identifiers: ClinVar variation 3390785 (VCV003390785.1).

ClinVar aggregate classification (germline): Uncertain significance (1 of 4 stars; one submission).

Submission:

GeneDx
Classification: Uncertain significance. Last evaluated: 2024-06-13. Review status: criteria provided, single submitter. Criteria: GeneDx Variant Classification Process June 2021. Collection method: clinical testing. Allele origin: germline. Affected: yes.
Comment: Not observed at significant frequency in large population cohorts (gnomAD); In-frame deletion of 1 amino acid in a non-repeat region; In silico analysis supports a deleterious effect on protein structure/function; Has not been previously published as pathogenic or benign to our knowledge